The following is an entry in ClinVar:

NM_001041.4(SI):c.686T>C (p.Ile229Thr)

Gene: SI (sucrase-isomaltase; minus strand). Cytogenetic location: 3q26.1.
Variant type: single nucleotide variant.
Coding change: c.686T>C on transcript NM_001041.4 (MANE Select); coding-DNA position 686, T replaced by C.
Protein change: p.Ile229Thr; replaces isoleucine 229 with threonine.
Molecular consequence: missense variant.
Genome position (GRCh38, 1-based): chr3:165,065,382, A>G on the plus strand (T>C on the coding strand, the complement: SI is on the minus strand). VCF-style: chr3-165065382-A-G. GRCh37 (hg19) VCF-style: chr3-164783170-A-G.
Other names: short protein forms I229T.
Identifiers: ClinVar variation 3007438 (VCV003007438.1), dbSNP rs1178804798, ClinGen allele CA355032834.
Genomic context (GRCh38, chr3:165,065,382, plus strand): 5'-AATCTCTTATGAACTTGTTCTCCAATACCATAAATATAATCACTTGGAAGACGGGTTGAG[A>G]TCTGTAAGTACTGGTCAGAGTACACTAAGGGACCAATGCTGGTGTCAAACCTGCACCATA-3'
Protein context (NP_001032.2, residues 219-239): PLVYSDQYLQ[Ile229Thr]STRLPSDYIY

ClinVar aggregate classification (germline): Uncertain significance (1 of 4 stars; one submission).

gnomAD v4.1: 1 of 1,585,446 alleles (0.000063%); highest among the groups gnomAD compares: Non-Finnish European, 0.000086%; no homozygotes.

Submission:

Labcorp Genetics (formerly Invitae), Labcorp
Classification: Uncertain significance. Last evaluated: 2023-10-22. Review status: criteria provided, single submitter. Criteria: Invitae Variant Classification Sherloc (09022015). Collection method: clinical testing. Allele origin: germline.
Comment: This sequence change replaces isoleucine, which is neutral and non-polar, with threonine, which is neutral and polar, at codon 229 of the SI protein (p.Ile229Thr). This variant is not present in population databases (gnomAD no frequency). This variant has not been reported in the literature in individuals affected with SI-related conditions. Advanced modeling of protein sequence and biophysical properties (such as structural, functional, and spatial information, amino acid conservation, physicochemical variation, residue mobility, and thermodynamic stability) has been performed at Invitae for this missense variant, however the output from this modeling did not meet the statistical confidence thresholds required to predict the impact of this variant on SI protein function. In summary, the available evidence is currently insufficient to determine the role of this variant in disease. Therefore, it has been classified as a Variant of Uncertain Significance.